The following is an entry in ClinVar:

ClinVar aggregate classification (germline): Uncertain significance. Review status: criteria provided, multiple submitters, no conflicts (2 of 4 stars). 2 submissions from 2 submitters: Uncertain significance (2). Last evaluated 2025-07-08.

Conditions:
Hereditary cancer-predisposing syndrome. Also called: Neoplastic Syndromes, Hereditary; Tumor predisposition; Hereditary Cancer Syndrome; Hereditary neoplastic syndrome. Identifiers: Orphanet 140162, MedGen C0027672, MeSH D009386, MONDO:0015356.
Multiple endocrine neoplasia, type 2 (MEN2). Identifiers: Orphanet 653, MedGen C4048306, MONDO:0019003. Disease mechanism: gain of function.

Submissions (2):

Ambry Genetics
Classification: Uncertain significance for Hereditary cancer-predisposing syndrome. Last evaluated: 2025-07-08. Review status: criteria provided, single submitter. Criteria: Ambry Variant Classification Scheme 2023. Collection method: clinical testing. Allele origin: germline.
Comment: The p.G539S variant (also known as c.1615G>A), located in coding exon 8 of the RET gene, results from a G to A substitution at nucleotide position 1615. The glycine at codon 539 is replaced by serine, an amino acid with similar properties. This amino acid position is highly conserved in available vertebrate species. In addition, this alteration is predicted to be deleterious by in silico analysis. Based on the available evidence, the clinical significance of this variant remains unclear.

Labcorp Genetics (formerly Invitae), Labcorp
Classification: Uncertain significance for Multiple endocrine neoplasia, type 2. Last evaluated: 2022-08-18. Review status: criteria provided, single submitter. Criteria: Invitae Variant Classification Sherloc (09022015). Collection method: clinical testing. Allele origin: germline.
Comment: This sequence change replaces glycine, which is neutral and non-polar, with serine, which is neutral and polar, at codon 539 of the RET protein (p.Gly539Ser). This variant is not present in population databases (gnomAD no frequency). This variant has not been reported in the literature in individuals affected with RET-related conditions. Algorithms developed to predict the effect of missense changes on protein structure and function (SIFT, PolyPhen-2, Align-GVGD) all suggest that this variant is likely to be disruptive. In summary, the available evidence is currently insufficient to determine the role of this variant in disease. Therefore, it has been classified as a Variant of Uncertain Significance.

NM_020975.6(RET):c.1615G>A (p.Gly539Ser)

Gene: RET (ret proto-oncogene; plus strand). Cytogenetic location: 10q11.21.
Variant type: single nucleotide variant.
Coding change: c.1615G>A on transcript NM_020975.6 (MANE Select); coding-DNA position 1615, G replaced by A.
Protein change: p.Gly539Ser; replaces glycine 539 with serine.
Molecular consequence: missense variant.
Genome position (GRCh38, 1-based): chr10:43,112,191, G>A. VCF-style: chr10-43112191-G-A. GRCh37 (hg19) VCF-style: chr10-43607639-G-A.
Other names: c.1327G>A, p.Gly443Ser (NM_001406766.1, NM_001406767.1, NM_001406770.1); c.1486G>A, p.Gly496Ser (NM_001406768.1, NM_001406761.1, NM_001406762.1 and 1 more transcripts); c.1219G>A, p.Gly407Ser (NM_001406769.1, NM_001406772.1); c.1177G>A, p.Gly393Ser (NM_001406771.1, NM_001406773.1); c.1615G>A, p.Gly539Ser (NM_000323.2, NM_001406743.1, NM_001406744.1 and 6 more transcripts); c.853G>A, p.Gly285Ser (NM_001355216.2); c.1090G>A, p.Gly364Ser (NM_001406774.1); c.889G>A, p.Gly297Ser (NM_001406775.1, NM_001406776.1, NM_001406777.1 and 1 more transcripts); and 5 more; short protein forms G285S, G496S, G209S, G393S, G56S, G240S, G364S, G539S.
Identifiers: ClinVar variation 1776478 (VCV001776478.8), dbSNP rs2132800835, ClinGen allele CA376550715.